The following is an entry in ClinVar:

ClinVar aggregate classification (germline): Uncertain significance (1 of 4 stars; one submission).

Submission:

Labcorp Genetics (formerly Invitae), Labcorp
Classification: Uncertain significance. Last evaluated: 2023-03-07. Review status: criteria provided, single submitter. Criteria: Invitae Variant Classification Sherloc (09022015). Collection method: clinical testing. Allele origin: germline.
Comment: In summary, the available evidence is currently insufficient to determine the role of this variant in disease. Therefore, it has been classified as a Variant of Uncertain Significance. Variants that disrupt the consensus splice site are a relatively common cause of aberrant splicing (PMID: 17576681, 9536098). Algorithms developed to predict the effect of sequence changes on RNA splicing suggest that this variant may disrupt the consensus splice site. This variant has not been reported in the literature in individuals affected with CETP-related conditions. This variant is not present in population databases (gnomAD no frequency). This sequence change falls in intron 5 of the CETP gene. It does not directly change the encoded amino acid sequence of the CETP protein. It affects a nucleotide within the consensus splice site.

Literature cited by the submitters: PubMed 17576681; PubMed 9536098.

NM_000078.3(CETP):c.527+5G>A

Gene: CETP (cholesteryl ester transfer protein; plus strand). Cytogenetic location: 16q13.
Variant type: single nucleotide variant.
Coding change: c.527+5G>A on transcript NM_000078.3 (MANE Select); 5 bases into the intron after coding-DNA position 527, G replaced by A.
Molecular consequence: intron variant.
Genome position (GRCh38, 1-based): chr16:56,970,006, G>A. VCF-style: chr16-56970006-G-A. GRCh37 (hg19) VCF-style: chr16-57003918-G-A.
Other names: c.527+5G>A (NM_001286085.2).
Identifiers: ClinVar variation 2802652 (VCV002802652.3), dbSNP rs2056098429, ClinGen allele CA2224396932.